The following is an entry in ClinVar:

NM_020207.7(ERCC6L2):c.222T>A (p.Phe74Leu)

Gene: ERCC6L2 (ERCC excision repair 6 like 2; plus strand). Cytogenetic location: 9q22.32.
Variant type: single nucleotide variant.
Coding change: c.222T>A on transcript NM_020207.7 (MANE Select); coding-DNA position 222, T replaced by A.
Protein change: p.Phe74Leu; replaces phenylalanine 74 with leucine.
Molecular consequence: missense variant. On other transcripts: non-coding transcript variant (1).
Genome position (GRCh38, 1-based): chr9:95,881,044, T>A. VCF-style: chr9-95881044-T-A. GRCh37 (hg19) VCF-style: chr9-98643326-T-A.
Other names: c.222T>A, p.Phe74Leu (NM_001010895.4, NM_001375291.1, NM_001375292.1 and 2 more transcripts); short protein forms F74L.
Identifiers: ClinVar variation 3689078 (VCV003689078.3).

ClinVar aggregate classification (germline): Uncertain significance. Review status: criteria provided, multiple submitters, no conflicts (2 of 4 stars). 2 submissions from 2 submitters: Uncertain significance (2). Last evaluated 2025-06-23.

Conditions:
Inborn genetic diseases. Identifiers: MedGen C0950123, MeSH D030342.

gnomAD v4.1: 4 of 1,613,976 alleles (0.00025%); highest among the groups gnomAD compares: Non-Finnish European, 0.00034%; no homozygotes.

Submissions (2):

Ambry Genetics
Classification: Uncertain significance for Inborn genetic diseases. Last evaluated: 2025-06-23. Review status: criteria provided, single submitter. Criteria: Ambry Variant Classification Scheme 2023. Collection method: clinical testing. Allele origin: germline.
Comment: The p.F74L variant (also known as c.222T>A), located in coding exon 2 of the ERCC6L2 gene, results from a T to A substitution at nucleotide position 222. The phenylalanine at codon 74 is replaced by leucine, an amino acid with highly similar properties. This amino acid position is conserved. In addition, this alteration is predicted to be tolerated by in silico analysis. Based on the available evidence, the clinical significance of this variant remains unclear.

Labcorp Genetics (formerly Invitae), Labcorp
Classification: Uncertain significance. Last evaluated: 2024-02-07. Review status: criteria provided, single submitter. Criteria: Invitae Variant Classification Sherloc (09022015). Collection method: clinical testing. Allele origin: germline.
Comment: This sequence change replaces phenylalanine, which is neutral and non-polar, with leucine, which is neutral and non-polar, at codon 85 of the ERCC6L2 protein (p.Phe85Leu). This variant is not present in population databases (gnomAD no frequency). This variant has not been reported in the literature in individuals affected with ERCC6L2-related conditions. Experimental studies and prediction algorithms are not available or were not evaluated, and the functional significance of this variant is currently unknown. In summary, the available evidence is currently insufficient to determine the role of this variant in disease. Therefore, it has been classified as a Variant of Uncertain Significance.